The following is an entry in ClinVar:

ClinVar aggregate classification (germline): Pathogenic. Review status: criteria provided, single submitter (1 of 4 stars). 2 submissions from 2 submitters: Pathogenic (1). 1 of the submissions does not count toward it. Last evaluated 2024-08-23.

Conditions:
CDKL5 disorder. Identifiers: MedGen CN296942, MONDO:0100039.
Developmental and epileptic encephalopathy, 2 (DEE2). Also called: INFANTILE SPASM SYNDROME, X-LINKED 2; CDKL5 deficiency disorder. Identifiers: Orphanet 1934, Orphanet 3451, Orphanet 505652, MedGen C4750718, MONDO:0010396, OMIM 300672.

Submissions (2):

Centre for Population Genomics, CPG
Classification: Pathogenic for CDKL5 disorder. Last evaluated: 2024-08-23. Review status: criteria provided, single submitter. Criteria: McKnight et al. (Hum Mutat. 2022). Collection method: curation. Allele origin: germline. Inheritance: X-linked inheritance.
Comment: This variant has been collected from RettBASE and curated to current modified ACMG/AMP criteria. Based on the classification scheme defined by the ClinGen Rett/Angelman-like Expert Panel for Rett/AS-like Disorders Specifications to the ACMG/AMP Variant Interpretation Guidelines VCEP 3.0, this variant is classified as pathogenic. At least the following criteria are met: Predicted to result in loss of function, and LOF is a known mechanism of disease (PVS1). At least one individual with this variant has been reported with a clinical phenotype consistent with CDKL5- related condition (PP4).PMID: 21770923 This variant is absent from gnomAD v4 (PM2_Supporting).

RettBASE
Classification: Pathogenic for Epileptic encephalopathy, early infantile, 2. Last evaluated: 2014-03-13. Review status: no assertion criteria provided. Collection method: curation. Allele origin: unknown. Affected: yes. Observed: 1 variant allele. Not counted in ClinVar's aggregate classification.

Literature cited by the submitters: PubMed 21770923 (cited by RettBASE).

NM_001323289.2(CDKL5):c.1079del (p.Leu360fs)

Gene: CDKL5 (cyclin dependent kinase like 5; plus strand). Cytogenetic location: Xp22.13.
Variant type: Deletion.
Coding change: c.1079del on transcript NM_001323289.2 (MANE Select); coding-DNA position 1079, one base deleted (T; older notation c.1079delT).
Protein change: p.Leu360fs; shifts the reading frame from leucine 360.
Molecular consequence: frameshift variant.
Genome position (GRCh38, 1-based): chrX:18,604,003, T deleted. VCF-style (leftmost placement, unchanged base first): chrX-18604002-CT-C. GRCh37 (hg19) VCF-style: chrX-18622122-CT-C.
Other names: NM_001323289.2(CDKL5):c.1079del; p.Leu360fs; c.1079del, p.Leu360fs (NM_001037343.2, NM_003159.3); c.1079delT (NM_003159.2); short protein forms L360fs.
Identifiers: ClinVar variation 143768 (VCV000143768.4), dbSNP rs267608565, ClinGen allele CA170436.